The following is an entry in ClinVar:

ClinVar aggregate classification (germline): Uncertain significance (1 of 4 stars; one submission).

Conditions:
LEPR-related disorder. Also called: LEPR-related condition; LEPR-related disorders.

gnomAD v4.1: 11 of 1,613,722 alleles (0.00068%); highest among the groups gnomAD compares: Non-Finnish European, 0.00093%; no homozygotes.

Submission:

PreventionGenetics, part of Exact Sciences
Classification: Uncertain significance for LEPR-related condition. Last evaluated: 2026-04-08. Review status: criteria provided, single submitter. Criteria: ACMG Guidelines, 2015. Collection method: clinical testing. Allele origin: germline.
Comment: The LEPR c.2207G>A variant is predicted to result in the amino acid substitution p.Ser736Asn. To our knowledge, this variant has not been reported in the literature or in a large population database (gnomAD), indicating this variant is rare. At this time, the clinical significance of this variant is uncertain due to the absence of conclusive functional and genetic evidence.

NM_002303.6(LEPR):c.2207G>A (p.Ser736Asn)

Genes: LEPR (leptin receptor; plus strand), LOC122094844 (Sharpr-MPRA regulatory region 5730; plus strand). Cytogenetic location: 1p31.3.
Variant type: single nucleotide variant.
Coding change: c.2207G>A on transcript NM_002303.6 (MANE Select); coding-DNA position 2207, G replaced by A.
Protein change: p.Ser736Asn; replaces serine 736 with asparagine.
Molecular consequence: missense variant.
Genome position (GRCh38, 1-based): chr1:65,616,219, G>A. VCF-style: chr1-65616219-G-A. GRCh37 (hg19) VCF-style: chr1-66081902-G-A.
Other names: c.2207G>A, p.Ser736Asn (NM_001003679.3, NM_001003680.3, NM_001198687.2 and 2 more transcripts); short protein forms S736N.
Identifiers: ClinVar variation 4994922 (VCV004994922.1).